The following is an entry in ClinVar:

NM_001267550.2(TTN):c.64208C>T (p.Thr21403Ile)

Genes: TTN (titin; minus strand), TTN-AS1 (TTN antisense RNA 1; plus strand). Cytogenetic location: 2q31.2.
Variant type: single nucleotide variant.
Coding change: c.64208C>T on transcript NM_001267550.2 (MANE Select); coding-DNA position 64208, C replaced by T.
Protein change: p.Thr21403Ile; replaces threonine 21403 with isoleucine.
Molecular consequence: missense variant.
Genome position (GRCh38, 1-based): chr2:178,586,693, G>A on the plus strand (C>T on the coding strand, the complement: TTN is on the minus strand). VCF-style: chr2-178586693-G-A. GRCh37 (hg19) VCF-style: chr2-179451420-G-A.
Other names: p.T19762I:ACT>ATT; c.59285C>T, p.Thr19762Ile (NM_001256850.1); c.37013C>T, p.Thr12338Ile (NM_003319.4); c.56504C>T, p.Thr18835Ile (NM_133378.4); c.37388C>T, p.Thr12463Ile (NM_133432.3); c.37589C>T, p.Thr12530Ile (NM_133437.4); short protein forms T21403I, T18835I, T19762I, T12463I, T12338I, T12530I.
Identifiers: ClinVar variation 47209 (VCV000047209.38), dbSNP rs2042996, ClinGen allele CA283589.

ClinVar aggregate classification (germline): Benign/Likely benign. Review status: criteria provided, multiple submitters, no conflicts (2 of 4 stars). 25 submissions from 18 submitters: Benign (20); Likely benign (2). 3 of the submissions do not count toward it. Last evaluated 2026-02-04.

Conditions:
Dilated cardiomyopathy 1G (CMD1G). Identifiers: Orphanet 154, MedGen C1858763, MONDO:0011400, OMIM 604145.
Autosomal recessive limb-girdle muscular dystrophy type 2J (LGMDR10). Also called: MUSCULAR DYSTROPHY, LIMB-GIRDLE, AUTOSOMAL RECESSIVE 10; Limb-girdle muscular dystrophy, type 2J. Identifiers: Orphanet 140922, MedGen C1837342, MONDO:0012127, OMIM 608807.
Cardiovascular phenotype. Identifiers: MedGen CN230736.
Early-onset myopathy with fatal cardiomyopathy (CMYO5). Also called: CONGENITAL MYOPATHY 5 WITH CARDIOMYOPATHY; Salih Myopathy. Identifiers: Orphanet 289377, MedGen C2673677, MONDO:0012714, OMIM 611705. Disease mechanism: loss of function.
Myopathy, myofibrillar, 9, with early respiratory failure (MFM9). Also called: Myopathy, distal, with early respiratory failure, autosomal dominant; Hereditary myopathy with early respiratory failure; MYOPATHY, PROXIMAL, WITH EARLY RESPIRATORY MUSCLE INVOLVEMENT; EDSTROM MYOPATHY. Identifiers: Orphanet 178464, Orphanet 34521, MedGen C1863599, MONDO:0011362, OMIM 603689.
Tibial muscular dystrophy (TMD). Also called: Udd Distal Myopathy – Tibial Muscular Dystrophy; Tibial muscular dystrophy, tardive; UDD MYOPATHY. Identifiers: Orphanet 609, MedGen C1838244, MONDO:0010870, OMIM 600334.

Allele frequency attached by ClinVar (database versions not stated): gnomAD exomes 0.26520 and 0.35115; gnomAD 0.34979 and 0.35657; ExAC 0.35089; TOPMed 0.37065; 1000 Genomes Project 30x 0.50312; ESP Exome Variant Server 0.31228; 1000 Genomes Project 0.50759.
gnomAD v4.1: 443,918 of 1,612,818 alleles (28%); highest among the groups gnomAD compares: East Asian, 70%; 73,844 homozygotes.

Submissions (25):

Labcorp Genetics (formerly Invitae), Labcorp
Classification: Benign for Dilated cardiomyopathy 1G; Autosomal recessive limb-girdle muscular dystrophy type 2J. Last evaluated: 2026-02-04. Review status: criteria provided, single submitter. Criteria: Invitae Variant Classification Sherloc (09022015). Collection method: clinical testing. Allele origin: germline.

Molecular Diagnostic Laboratory for Inherited Cardiovascular Disease, Montreal Heart Institute
Classification: Benign. Last evaluated: 2025-04-09. Review status: criteria provided, single submitter. Criteria: ACMG Guidelines, 2015. Collection method: clinical testing. Allele origin: germline. Affected: no.

Genome-Nilou Lab
Classification: Benign for Autosomal recessive limb-girdle muscular dystrophy type 2J. Last evaluated: 2021-09-10. Review status: criteria provided, single submitter. Criteria: ACMG Guidelines, 2015. Collection method: clinical testing. Allele origin: germline. Affected: no.

Genome-Nilou Lab
Classification: Benign for Myopathy, myofibrillar, 9, with early respiratory failure. Last evaluated: 2021-09-10. Review status: criteria provided, single submitter. Criteria: ACMG Guidelines, 2015. Collection method: clinical testing. Allele origin: germline. Affected: no.

Genome-Nilou Lab
Classification: Benign for Early-onset myopathy with fatal cardiomyopathy. Last evaluated: 2021-09-10. Review status: criteria provided, single submitter. Criteria: ACMG Guidelines, 2015. Collection method: clinical testing. Allele origin: germline. Affected: no.

Genome-Nilou Lab
Classification: Benign for Tibial muscular dystrophy. Last evaluated: 2021-09-10. Review status: criteria provided, single submitter. Criteria: ACMG Guidelines, 2015. Collection method: clinical testing. Allele origin: germline. Affected: no.

Women's Health and Genetics/Laboratory Corporation of America, LabCorp
Classification: Likely benign. Last evaluated: 2020-08-18. Review status: criteria provided, single submitter. Criteria: LabCorp Variant Classification Summary - May 2015. Collection method: clinical testing. Allele origin: germline.

Athena Diagnostics
Classification: Benign. Last evaluated: 2018-11-02. Review status: criteria provided, single submitter. Criteria: Athena Diagnostics Criteria. Collection method: clinical testing. Allele origin: germline.

Illumina Laboratory Services, Illumina
Classification: Benign for Autosomal recessive limb-girdle muscular dystrophy type 2J. Last evaluated: 2018-01-13. Review status: criteria provided, single submitter. Criteria: ICSL Variant Classification Criteria 13 December 2019. Collection method: clinical testing. Allele origin: germline.
Comment: This variant was observed in the ICSL laboratory as part of a predisposition screen in an ostensibly healthy population. It had not been previously curated by ICSL or reported in the Human Gene Mutation Database (HGMD: prior to June 1st, 2018), and was therefore a candidate for classification through an automated scoring system. Utilizing variant allele frequency, disease prevalence and penetrance estimates, and inheritance mode, an automated score was calculated to assess if this variant is too frequent to cause the disease. Based on the score and internal cut-off values, a variant classified as benign is not then subjected to further curation. The score for this variant resulted in a classification of benign for this disease.

Illumina Laboratory Services, Illumina
Classification: Benign for Tibial muscular dystrophy. Last evaluated: 2018-01-13. Review status: criteria provided, single submitter. Criteria: ICSL Variant Classification Criteria 13 December 2019. Collection method: clinical testing. Allele origin: germline.
Comment: the same text as in the submission from Illumina Laboratory Services, Illumina above.

Illumina Laboratory Services, Illumina
Classification: Benign for Myopathy, myofibrillar, 9, with early respiratory failure. Last evaluated: 2018-01-13. Review status: criteria provided, single submitter. Criteria: ICSL Variant Classification Criteria 13 December 2019. Collection method: clinical testing. Allele origin: germline.
Comment: the same text as in the submission from Illumina Laboratory Services, Illumina above.

Illumina Laboratory Services, Illumina
Classification: Benign for Early-onset myopathy with fatal cardiomyopathy. Last evaluated: 2018-01-13. Review status: criteria provided, single submitter. Criteria: ICSL Variant Classification Criteria 13 December 2019. Collection method: clinical testing. Allele origin: germline.
Comment: the same text as in the submission from Illumina Laboratory Services, Illumina above.

Illumina Laboratory Services, Illumina
Classification: Benign for Dilated cardiomyopathy 1G. Last evaluated: 2018-01-13. Review status: criteria provided, single submitter. Criteria: ICSL Variant Classification Criteria 13 December 2019. Collection method: clinical testing. Allele origin: germline.
Comment: the same text as in the submission from Illumina Laboratory Services, Illumina above.

Mayo Clinic Laboratories, Mayo Clinic
Classification: Benign. Last evaluated: 2017-08-24. Review status: criteria provided, single submitter. Criteria: ACMG Guidelines, 2015. Collection method: clinical testing. Allele origin: germline. Observed: 1,156 variant alleles.

Eurofins Ntd Llc (ga)
Classification: Benign. Last evaluated: 2016-05-05. Review status: criteria provided, single submitter. Criteria: EGL Classification Definitions 2015. Collection method: clinical testing. Allele origin: germline. Observed: 2 variant alleles, 2 homozygotes.

Genetic Services Laboratory, University of Chicago
Classification: Benign for AllHighlyPenetrant. Last evaluated: 2013-08-15. Review status: criteria provided, single submitter. Criteria: ACMG Guidelines, 2007. Collection method: clinical testing. Allele origin: germline.

Biesecker Lab/Clinical Genomics Section, National Institutes of Health
Classification: Benign. Last evaluated: 2013-06-24. Review status: criteria provided, single submitter. Criteria: Ng et al. (Circ Cardiovasc Genet. 2013). Collection method: research. Allele origin: unknown. Observed: 363 variant alleles. Study: ClinSeq.
Comment: The study set was not selected for affection status in relation to any cancer. Pathogenicity categories were based on literature curation. See Pubmed ID:23861362 for details.

Medical sequencing

Ambry Genetics
Classification: Benign for Cardiovascular phenotype. Last evaluated: 2013-01-16. Review status: criteria provided, single submitter. Criteria: Ambry Autosomal Dominant and X-Linked criteria (10/2015). Collection method: clinical testing. Allele origin: germline. Observed: 1 variant allele.

GeneDx
Classification: Benign. Last evaluated: 2012-10-31. Review status: criteria provided, single submitter. Criteria: GeneDx Variant Classification (06012015). Collection method: clinical testing. Allele origin: germline. Affected: yes.
Comment: This variant is considered likely benign or benign based on one or more of the following criteria: it is a conservative change, it occurs at a poorly conserved position in the protein, it is predicted to be benign by multiple in silico algorithms, and/or has population frequency not consistent with disease.

Laboratory for Molecular Medicine, Mass General Brigham Personalized Medicine
Classification: Benign. Last evaluated: 2011-09-27. Review status: criteria provided, single submitter. Criteria: LMM Criteria. Collection method: clinical testing. Allele origin: germline. Observed: 947 variant alleles.

Breakthrough Genomics
Classification: Likely benign. Review status: criteria provided, single submitter. Criteria: ACMG Guidelines, 2015. Collection method: not provided. Allele origin: germline. Inheritance: Autosomal recessive inheritance. Affected: yes.

PreventionGenetics, part of Exact Sciences
Classification: Benign. Review status: criteria provided, single submitter. Criteria: ACMG Guidelines, 2015. Collection method: clinical testing. Allele origin: germline.

Clinical Genetics DNA and cytogenetics Diagnostics Lab, Erasmus MC, Erasmus Medical Center
Classification: Benign. Review status: no assertion criteria provided. Collection method: clinical testing. Allele origin: germline. Affected: yes. Study: VKGL Data-share Consensus. Not counted in ClinVar's aggregate classification.

Clinical Genetics, Academic Medical Center
Classification: Benign. Review status: no assertion criteria provided. Collection method: clinical testing. Allele origin: germline. Affected: yes. Study: VKGL Data-share Consensus. Not counted in ClinVar's aggregate classification.

Genome Diagnostics Laboratory, University Medical Center Utrecht
Classification: Benign. Review status: no assertion criteria provided. Collection method: clinical testing. Allele origin: germline. Affected: yes. Study: VKGL Data-share Consensus. Not counted in ClinVar's aggregate classification.